The following is an entry in ClinVar:

NM_001365276.2(TNXB):c.6961C>A (p.Leu2321Met)

Gene: TNXB (tenascin XB; minus strand). Cytogenetic location: 6p21.33.
Variant type: single nucleotide variant.
Coding change: c.6961C>A on transcript NM_001365276.2 (MANE Select); coding-DNA position 6961, C replaced by A.
Protein change: p.Leu2321Met; replaces leucine 2321 with methionine.
Molecular consequence: missense variant.
Genome position (GRCh38, 1-based): chr6:32,062,364, G>T on the plus strand (C>A on the coding strand, the complement: TNXB is on the minus strand). VCF-style: chr6-32062364-G-T. GRCh37 (hg19) VCF-style: chr6-32030141-G-T.
Other names: c.6961C>A, p.Leu2321Met (NM_019105.8); short protein forms L2321M.
Identifiers: ClinVar variation 2465684 (VCV002465684.3), dbSNP rs772343865, ClinGen allele CA3734288.

ClinVar aggregate classification (germline): Uncertain significance (1 of 4 stars; one submission).

Conditions:
Cardiovascular phenotype. Identifiers: MedGen CN230736.

Allele frequency attached by ClinVar (database versions not stated): ExAC 0.00001; TOPMed 0.00002.
gnomAD v4.1: 34 of 1,613,532 alleles (0.0021%); highest among the groups gnomAD compares: Admixed American, 0.055%; no homozygotes.

Submission:

Ambry Genetics
Classification: Uncertain significance for Cardiovascular phenotype. Last evaluated: 2024-12-14. Review status: criteria provided, single submitter. Criteria: Ambry Variant Classification Scheme 2023. Collection method: clinical testing. Allele origin: germline.
Comment: The p.L2321M variant (also known as c.6961C>A), located in coding exon 19 of the TNXB gene, results from a C to A substitution at nucleotide position 6961. The leucine at codon 2321 is replaced by methionine, an amino acid with highly similar properties. This amino acid position is conserved. In addition, this alteration is predicted to be tolerated by in silico analysis. Based on the available evidence, the clinical significance of this variant remains unclear.